The following is an entry in ClinVar:

NM_003742.4(ABCB11):c.2495del (p.Arg832fs)

Gene: ABCB11 (ATP binding cassette subfamily B member 11; minus strand). Cytogenetic location: 2q31.1.
Variant type: Deletion.
Coding change: c.2495del on transcript NM_003742.4 (MANE Select); coding-DNA position 2495, one base deleted (G; older notation c.2495delG).
Protein change: p.Arg832fs; shifts the reading frame from arginine 832.
Molecular consequence: frameshift variant.
Genome position (GRCh38, 1-based): chr2:168,944,720, C deleted on the plus strand (G on the coding strand, the reverse complement: ABCB11 is on the minus strand). VCF-style (leftmost placement, unchanged base first): chr2-168944719-AC-A. GRCh37 (hg19) VCF-style: chr2-169801229-AC-A.
Other names: short protein forms R832fs.
Identifiers: ClinVar variation 642518 (VCV000642518.6), dbSNP rs1574415738, ClinGen allele CA915942946.

ClinVar aggregate classification (germline): Pathogenic (1 of 4 stars; one submission).

Submission:

Labcorp Genetics (formerly Invitae), Labcorp
Classification: Pathogenic. Last evaluated: 2018-08-01. Review status: criteria provided, single submitter. Criteria: Invitae Variant Classification Sherloc (09022015). Collection method: clinical testing. Allele origin: germline.
Comment: This sequence change creates a premature translational stop signal (p.Arg832Leufs*26) in the ABCB11 gene. It is expected to result in an absent or disrupted protein product. For these reasons, this variant has been classified as Pathogenic. Loss-of-function variants in ABCB11 are known to be pathogenic (PMID: 18395098, 20232290). This variant has not been reported in the literature in individuals with ABCB11-related disease. This variant is not present in population databases (ExAC no frequency).

Literature cited by the submitters: PubMed 18395098; PubMed 20232290.